The following is an entry in ClinVar:

NM_001130438.3(SPTAN1):c.1298A>G (p.Tyr433Cys)

Gene: SPTAN1 (spectrin alpha, non-erythrocytic 1; plus strand). Cytogenetic location: 9q34.11.
Variant type: single nucleotide variant.
Coding change: c.1298A>G on transcript NM_001130438.3 (MANE Select); coding-DNA position 1298, A replaced by G.
Protein change: p.Tyr433Cys; replaces tyrosine 433 with cysteine.
Molecular consequence: missense variant.
Genome position (GRCh38, 1-based): chr9:128,579,713, A>G. VCF-style: chr9-128579713-A-G. GRCh37 (hg19) VCF-style: chr9-131341992-A-G.
Other names: c.1298A>G, p.Tyr433Cys (NM_001195532.2, NM_001363759.2, NM_001363765.2 and 5 more transcripts); c.1334A>G, p.Tyr445Cys (NM_001375312.2, NM_001375318.1); short protein forms Y433C, Y445C.
Identifiers: ClinVar variation 1716606 (VCV001716606.5), dbSNP rs2131062140, ClinGen allele CA375052325.

ClinVar aggregate classification (germline): Uncertain significance (1 of 4 stars; one submission).

Conditions:
Early-infantile DEE. Also called: Early infantile epileptic encephalopathy with suppression bursts; Early infantile epileptic encephalopathy; Ohtahara syndrome. Identifiers: Orphanet 1934, MedGen C0393706, MONDO:0800491.

Allele frequency attached by ClinVar (database versions not stated): gnomAD exomes below 0.00001.
gnomAD v4.1: 4 of 1,614,094 alleles (0.00025%); highest among the groups gnomAD compares: African/African-American, 0.0013%; no homozygotes.

Submission:

Labcorp Genetics (formerly Invitae), Labcorp
Classification: Uncertain significance for Early-infantile DEE. Last evaluated: 2022-08-17. Review status: criteria provided, single submitter. Criteria: Invitae Variant Classification Sherloc (09022015). Collection method: clinical testing. Allele origin: germline.
Comment: In summary, the available evidence is currently insufficient to determine the role of this variant in disease. Therefore, it has been classified as a Variant of Uncertain Significance. Algorithms developed to predict the effect of missense changes on protein structure and function are either unavailable or do not agree on the potential impact of this missense change (SIFT: "Tolerated"; PolyPhen-2: "Probably Damaging"; Align-GVGD: "Class C25"). This variant has not been reported in the literature in individuals affected with SPTAN1-related conditions. This variant is not present in population databases (gnomAD no frequency). This sequence change replaces tyrosine, which is neutral and polar, with cysteine, which is neutral and slightly polar, at codon 433 of the SPTAN1 protein (p.Tyr433Cys).